The following is an entry in ClinVar:

NM_001065.4(TNFRSF1A):c.59T>C (p.Val20Ala)

Gene: TNFRSF1A (TNF receptor superfamily member 1A; minus strand). Cytogenetic location: 12p13.31.
Variant type: single nucleotide variant.
Coding change: c.59T>C on transcript NM_001065.4 (MANE Select); coding-DNA position 59, T replaced by C.
Protein change: p.Val20Ala; replaces valine 20 with alanine.
Molecular consequence: missense variant. On other transcripts: 5 prime UTR variant (1), non-coding transcript variant (1), intron variant (1).
Genome position (GRCh38, 1-based): chr12:6,334,225, A>G on the plus strand (T>C on the coding strand, the complement: TNFRSF1A is on the minus strand). VCF-style: chr12-6334225-A-G. GRCh37 (hg19) VCF-style: chr12-6443391-A-G.
Other names: c.-519T>C (NM_001346092.2); c.-131-360T>C (NM_001346091.2); short protein forms V20A.
Identifiers: ClinVar variation 1407137 (VCV001407137.6), dbSNP rs1254356365, ClinGen allele CA383551245.

ClinVar aggregate classification (germline): Uncertain significance (1 of 4 stars; one submission).

Conditions:
TNF receptor-associated periodic fever syndrome (TRAPS) (FPF). Also called: Autosomal Dominant Familial Periodic Fever; TNF Receptor-Associated Periodic Fever Syndrome; FAMILIAL HIBERNIAN FEVER; TNF RECEPTOR-ASSOCIATED PERIODIC SYNDROME; TUMOR NECROSIS FACTOR RECEPTOR-ASSOCIATED PERIODIC SYNDROME; TNF receptor 1-associated periodic fever syndrome. Identifiers: Orphanet 32960, MedGen C1275126, MONDO:0007727, OMIM 142680.

Allele frequency attached by ClinVar (database versions not stated): TOPMed below 0.00001; gnomAD 0.00001.
gnomAD v4.1: 1 of 1,613,524 alleles (0.000062%); highest among the groups gnomAD compares: Non-Finnish European, 0.000085%; no homozygotes.

Submission:

Labcorp Genetics (formerly Invitae), Labcorp
Classification: Uncertain significance for TNF receptor-associated periodic fever syndrome (TRAPS). Last evaluated: 2021-12-03. Review status: criteria provided, single submitter. Criteria: Invitae Variant Classification Sherloc (09022015). Collection method: clinical testing. Allele origin: germline.
Comment: Advanced modeling of protein sequence and biophysical properties (such as structural, functional, and spatial information, amino acid conservation, physicochemical variation, residue mobility, and thermodynamic stability) performed at Invitae indicates that this missense variant is not expected to disrupt TNFRSF1A protein function. In summary, the available evidence is currently insufficient to determine the role of this variant in disease. Therefore, it has been classified as a Variant of Uncertain Significance. This missense change has been observed in individual(s) with clinical features of TNF receptor-associated periodic fever syndrome (PMID: 21113948). This sequence change replaces valine, which is neutral and non-polar, with alanine, which is neutral and non-polar, at codon 20 of the TNFRSF1A protein (p.Val20Ala). This variant is not present in population databases (gnomAD no frequency).

Literature cited by the submitters: PubMed 21113948.